The following is an entry in ClinVar:

ClinVar aggregate classification (germline): Uncertain significance (1 of 4 stars; one submission).

gnomAD v4.1: 2 of 1,614,050 alleles (0.00012%); highest among the groups gnomAD compares: Non-Finnish European, 0.00017%; no homozygotes.

Submission:

Labcorp Genetics (formerly Invitae), Labcorp
Classification: Uncertain significance. Last evaluated: 2025-11-01. Review status: criteria provided, single submitter. Criteria: Invitae Variant Classification Sherloc (09022015). Collection method: clinical testing. Allele origin: germline.
Comment: This sequence change replaces leucine, which is neutral and non-polar, with proline, which is neutral and non-polar, at codon 222 of the TWNK protein (p.Leu222Pro). This variant is not present in population databases (gnomAD no frequency). This variant has not been reported in the literature in individuals affected with TWNK-related conditions. Invitae Evidence Modeling of protein sequence and biophysical properties (such as structural, functional, and spatial information, amino acid conservation, physicochemical variation, residue mobility, and thermodynamic stability) indicates that this missense variant is expected to disrupt TWNK protein function with a positive predictive value of 95%. In summary, the available evidence is currently insufficient to determine the role of this variant in disease. Therefore, it has been classified as a Variant of Uncertain Significance.

NM_021830.5(TWNK):c.665T>C (p.Leu222Pro)

Gene: TWNK (twinkle mtDNA helicase; plus strand). Cytogenetic location: 10q24.31.
Variant type: single nucleotide variant.
Coding change: c.665T>C on transcript NM_021830.5 (MANE Select); coding-DNA position 665, T replaced by C.
Protein change: p.Leu222Pro; replaces leucine 222 with proline.
Molecular consequence: missense variant. On other transcripts: non-coding transcript variant (4), intron variant (3).
Genome position (GRCh38, 1-based): chr10:100,988,875, T>C. VCF-style: chr10-100988875-T-C. GRCh37 (hg19) VCF-style: chr10-102748632-T-C.
Other names: c.665T>C, p.Leu222Pro (NM_001163812.2); c.-119-769T>C (NM_001163814.2, NM_001163813.2); c.-57-831T>C (NM_001368275.1); short protein forms L222P.
Identifiers: ClinVar variation 4768476 (VCV004768476.1).